The following is an entry in ClinVar:

ClinVar aggregate classification (germline): Pathogenic/Likely pathogenic. Review status: criteria provided, multiple submitters, no conflicts (2 of 4 stars). 2 submissions from 2 submitters: Pathogenic (1); Likely pathogenic (1). Last evaluated 2023-01-25.

Conditions:
Renal cysts and diabetes syndrome (RCAD). Also called: Familial hypoplastic, glomerulocystic kidney; MATURITY-ONSET DIABETES OF THE YOUNG, TYPE 5. Identifiers: Orphanet 93111, MedGen C0431693, MONDO:0007669, OMIM 137920.

Submissions (2):

Broad Center for Mendelian Genomics, Broad Institute of MIT and Harvard
Classification: Likely pathogenic for Renal cysts and diabetes syndrome. Last evaluated: 2023-01-25. Review status: criteria provided, single submitter. Criteria: ACMG Guidelines, 2015. Collection method: curation. Allele origin: germline. Inheritance: Autosomal dominant inheritance.
Comment: The p.Gln176Ter variant in HNF1B has been previously reported in one individual with HNF1B-associated kidney disease (PMID: 15930087). This variant has also been reported in ClinVar (Variation ID: 635675) and has been interpreted as pathogenic by the Institute of Human Genetics, FAU Erlangen, Friedrich-Alexander-Universit√§t Erlangen-N√ºrnberg. This variant was absent from large population studies. This nonsense variant leads to a premature termination codon at position 176, which is predicted to lead to a truncated or absent protein. Heterozygous loss of function of the HNF1B gene is an established disease mechanism in autosomal dominant HNF1B-associated kidney disease. In summary, although additional studies are required to fully establish its clinical significance, this variant is likely pathogenic for HNF1B-associated kidney disease. ACMG/AMP Criteria applied: PVS1, PM2_Supporting (Richards 2015).

Institute of Human Genetics, FAU Erlangen, Friedrich-Alexander-Universität Erlangen-Nürnberg
Classification: Pathogenic for Renal cysts and diabetes syndrome. Last evaluated: 2019-07-06. Review status: criteria provided, single submitter. Criteria: ACMG Guidelines, 2015. Collection method: literature only. Allele origin: germline. Affected: yes.
Comment: This variant and it's classification has been reported by Vasileiou et al. 2019; DOI:10.1101/576918. The variants has previously been reported in PMID:25700310; PMID:15930087; PMID:25536396 as "c.526C>T; c.526C>T" with clinical significance Pathogenic. It has been re-classified using InterVar and manual curation as Pathogenic based on PVS1 PM2 PP3.

Literature cited by the submitters: PubMed 25700310 (cited by Institute of Human Genetics, FAU Erlangen, Friedrich-Alexander-Universität Erlangen-Nürnberg); PubMed 15930087 (cited by Institute of Human Genetics, FAU Erlangen, Friedrich-Alexander-Universität Erlangen-Nürnberg); PubMed 25536396 (cited by Institute of Human Genetics, FAU Erlangen, Friedrich-Alexander-Universität Erlangen-Nürnberg); DOI 10.1101/576918 (cited by Institute of Human Genetics, FAU Erlangen, Friedrich-Alexander-Universität Erlangen-Nürnberg).

NM_000458.4(HNF1B):c.526C>T (p.Gln176Ter)

Gene: HNF1B (HNF1 homeobox B; minus strand). Cytogenetic location: 17q12.
Variant type: single nucleotide variant.
Coding change: c.526C>T on transcript NM_000458.4 (MANE Select); coding-DNA position 526, C replaced by T.
Protein change: p.Gln176Ter; replaces glutamine 176 with a stop codon.
Molecular consequence: nonsense.
Genome position (GRCh38, 1-based): chr17:37,739,458, G>A on the plus strand (C>T on the coding strand, the complement: HNF1B is on the minus strand). VCF-style: chr17-37739458-G-A. GRCh37 (hg19) VCF-style: chr17-36099449-G-A.
Other names: NM_000458.4(HNF1B):c.526C>T; p.Gln176Ter; c.526C>T, p.Gln176Ter (NM_001165923.4, NM_001304286.2); short protein forms Q176*.
Identifiers: ClinVar variation 635675 (VCV000635675.3), dbSNP rs2511828138, ClinGen allele CA398751087.